The following is an entry in ClinVar:

ClinVar aggregate classification (germline): Benign/Likely benign. Review status: criteria provided, multiple submitters, no conflicts (2 of 4 stars). 8 submissions from 8 submitters: Benign (2); Likely benign (5). 1 of the submissions does not count toward it. Last evaluated 2025-12-09.

Conditions:
Infantile-onset X-linked spinal muscular atrophy. Also called: Spinal muscular atrophy, X-linked 2; SPINAL MUSCULAR ATROPHY, X-LINKED LETHAL INFANTILE; Spinal Muscular Atrophy, X-Linked Infantile; AMC, DISTAL, X-LINKED; ARTHROGRYPOSIS, X-LINKED, TYPE I. Identifiers: Orphanet 1145, MedGen C1844934, MONDO:0010532, OMIM 301830.
Inborn genetic diseases. Identifiers: MedGen C0950123, MeSH D030342.
UBA1-related disorder. Also called: UBA1-related condition.

Allele frequency attached by ClinVar (database versions not stated): ESP Exome Variant Server 0.00028; TOPMed 0.00029; gnomAD exomes 0.00030 and 0.00034; gnomAD 0.00032 and 0.00035; ExAC 0.00037.
gnomAD v4.1: 406 of 1,209,369 alleles (0.034%); highest among the groups gnomAD compares: Non-Finnish European, 0.042%; no homozygotes.

Submissions (8):

Labcorp Genetics (formerly Invitae), Labcorp
Classification: Benign for Infantile-onset X-linked spinal muscular atrophy. Last evaluated: 2025-12-09. Review status: criteria provided, single submitter. Criteria: Invitae Variant Classification Sherloc (09022015). Collection method: clinical testing. Allele origin: germline.

Blueprint Genetics
Classification: Likely benign. Last evaluated: 2024-10-24. Review status: criteria provided, single submitter. Criteria: ACMG Guidelines, 2015. Collection method: clinical testing. Allele origin: germline.

CeGaT Center for Human Genetics Tuebingen
Classification: Likely benign. Last evaluated: 2022-12-01. Review status: criteria provided, single submitter. Criteria: CeGaT Center For Human Genetics Tuebingen Variant Classification Criteria Version 2. Collection method: clinical testing. Allele origin: germline. Affected: yes. Observed: 1 variant allele.
Comment: UBA1: BP4, BP7, BS2

Ambry Genetics
Classification: Likely benign for Inborn genetic diseases. Last evaluated: 2019-07-11. Review status: criteria provided, single submitter. Criteria: Ambry Variant Classification Scheme 2023. Collection method: clinical testing. Allele origin: germline.

GeneDx
Classification: Likely benign. Last evaluated: 2018-04-13. Review status: criteria provided, single submitter. Criteria: GeneDx Variant Classification Process June 2021. Collection method: clinical testing. Allele origin: germline. Affected: yes.
Comment: This variant is associated with the following publications: (PMID: 19377476)

Illumina Laboratory Services, Illumina
Classification: Benign for Infantile-onset X-linked spinal muscular atrophy. Last evaluated: 2018-01-13. Review status: criteria provided, single submitter. Criteria: ICSL Variant Classification Criteria 13 December 2019. Collection method: clinical testing. Allele origin: germline.
Comment: This variant was observed in the ICSL laboratory as part of a predisposition screen in an ostensibly healthy population. It had not been previously curated by ICSL or reported in the Human Gene Mutation Database (HGMD: prior to June 1st, 2018), and was therefore a candidate for classification through an automated scoring system. Utilizing variant allele frequency, disease prevalence and penetrance estimates, and inheritance mode, an automated score was calculated to assess if this variant is too frequent to cause the disease. Based on the score and internal cut-off values, a variant classified as benign is not then subjected to further curation. The score for this variant resulted in a classification of benign for this disease.

Breakthrough Genomics
Classification: Likely benign. Review status: criteria provided, single submitter. Criteria: ACMG Guidelines, 2015. Collection method: not provided. Allele origin: germline. Inheritance: X-linked inheritance. Affected: yes.

PreventionGenetics, part of Exact Sciences
Classification: Likely benign for UBA1-related condition. Last evaluated: 2022-01-31. Review status: no assertion criteria provided. Collection method: clinical testing. Allele origin: germline. Not counted in ClinVar's aggregate classification.
Comment: This variant is classified as likely benign based on ACMG/AMP sequence variant interpretation guidelines (Richards et al. 2015 PMID: 25741868, with internal and published modifications).

NM_003334.4(UBA1):c.1242C>T (p.Ser414=)

Gene: UBA1 (ubiquitin like modifier activating enzyme 1; plus strand). Cytogenetic location: Xp11.3.
Variant type: single nucleotide variant.
Coding change: c.1242C>T on transcript NM_003334.4 (MANE Select); coding-DNA position 1242, C replaced by T.
Protein change: p.Ser414=; no amino-acid change (serine 414 retained).
Molecular consequence: synonymous variant.
Genome position (GRCh38, 1-based): chrX:47,202,951, C>T. VCF-style: chrX-47202951-C-T. GRCh37 (hg19) VCF-style: chrX-47062350-C-T.
Other names: c.1242C>T, p.Ser414= (NM_153280.3).
Identifiers: ClinVar variation 368334 (VCV000368334.46), dbSNP rs369843264, ClinGen allele CA10395879.